The following is an entry in ClinVar:

NM_020719.3(PRR12):c.4557C>T (p.Ala1519=)

Gene: PRR12 (proline rich 12; plus strand). Cytogenetic location: 19q13.33.
Variant type: single nucleotide variant.
Coding change: c.4557C>T on transcript NM_020719.3 (MANE Select); coding-DNA position 4557, C replaced by T.
Protein change: p.Ala1519=; no amino-acid change (alanine 1519 retained).
Molecular consequence: synonymous variant.
Genome position (GRCh38, 1-based): chr19:49,601,702, C>T. VCF-style: chr19-49601702-C-T. GRCh37 (hg19) VCF-style: chr19-50104959-C-T.
Identifiers: ClinVar variation 4820769 (VCV004820769.4).

ClinVar aggregate classification (germline): Likely benign (1 of 4 stars; one submission).

gnomAD v4.1: 155 of 1,540,864 alleles (0.01%); highest among the groups gnomAD compares: East Asian, 0.12%; no homozygotes.

Submission:

CeGaT Center for Human Genetics Tuebingen
Classification: Likely benign. Last evaluated: 2025-12-01. Review status: criteria provided, single submitter. Criteria: CeGaT Center For Human Genetics Tuebingen Variant Classification Criteria Version 2. Collection method: clinical testing. Allele origin: germline. Affected: yes. Observed: 1 variant allele.
Comment: PRR12: BP4, BP7